The following is an entry in ClinVar:

ClinVar aggregate classification (germline): Conflicting classifications of pathogenicity. Review status: criteria provided, conflicting classifications (1 of 4 stars). 3 submissions from 3 submitters: Uncertain significance (1); Likely benign (2). Last evaluated 2026-07-27.

Conditions:
NOTCH2-related disorder. Also called: NOTCH2-related condition.
Hajdu-Cheney syndrome (HJCYS). Also called: ACROOSTEOLYSIS WITH OSTEOPOROSIS AND CHANGES IN SKULL AND MANDIBLE; SERPENTINE FIBULA-POLYCYSTIC KIDNEY SYNDROME; Acroosteolysis dominant type. Identifiers: Orphanet 955, MedGen C0917715, MONDO:0007057, OMIM 102500.

Allele frequency attached by ClinVar (database versions not stated): TOPMed 0.00002.
gnomAD v4.1: 16 of 1,613,976 alleles (0.00099%); highest among the groups gnomAD compares: Non-Finnish European, 0.0014%; no homozygotes.

Submissions (3):

PreventionGenetics, part of Exact Sciences
Classification: Likely benign for NOTCH2-related condition. Last evaluated: 2026-07-27. Review status: criteria provided, single submitter. Criteria: ACMG Guidelines, 2015. Collection method: clinical testing. Allele origin: germline.
Comment: This variant is classified as likely benign based on ACMG/AMP sequence variant interpretation guidelines (Richards et al. 2015 PMID: 25741868, with internal and published modifications).

Labcorp Genetics (formerly Invitae), Labcorp
Classification: Likely benign for Hajdu-Cheney syndrome. Last evaluated: 2025-04-02. Review status: criteria provided, single submitter. Criteria: Invitae Variant Classification Sherloc (09022015). Collection method: clinical testing. Allele origin: germline.

Eurofins Ntd Llc (ga)
Classification: Uncertain significance. Last evaluated: 2017-02-02. Review status: criteria provided, single submitter. Criteria: EGL Classification Definitions 2015. Collection method: clinical testing. Allele origin: germline. Observed: 1 variant allele, 1 heterozygote.

NM_024408.4(NOTCH2):c.7224C>G (p.Leu2408=)

Gene: NOTCH2 (notch receptor 2; minus strand). Cytogenetic location: 1p12.
Variant type: single nucleotide variant.
Coding change: c.7224C>G on transcript NM_024408.4 (MANE Select); coding-DNA position 7224, C replaced by G.
Protein change: p.Leu2408=; no amino-acid change (leucine 2408 retained).
Molecular consequence: synonymous variant.
Genome position (GRCh38, 1-based): chr1:119,915,498, G>C on the plus strand (C>G on the coding strand, the complement: NOTCH2 is on the minus strand). VCF-style: chr1-119915498-G-C. GRCh37 (hg19) VCF-style: chr1-120458121-G-C.
Other names: c.7224C>G (NM_024408.3).
Identifiers: ClinVar variation 500330 (VCV000500330.8), dbSNP rs147795348, ClinGen allele CA420033959.